The following is an entry in ClinVar:

NM_006254.4(PRKCD):c.297T>A (p.Asn99Lys)

Gene: PRKCD (protein kinase C delta; plus strand). Cytogenetic location: 3p21.1.
Variant type: single nucleotide variant.
Coding change: c.297T>A on transcript NM_006254.4 (MANE Select); coding-DNA position 297, T replaced by A.
Protein change: p.Asn99Lys; replaces asparagine 99 with lysine.
Molecular consequence: missense variant.
Genome position (GRCh38, 1-based): chr3:53,179,758, T>A. VCF-style: chr3-53179758-T-A. GRCh37 (hg19) VCF-style: chr3-53213774-T-A.
Other names: c.297T>A, p.Asn99Lys (NM_001316327.2, NM_001354679.2, NM_001354680.2 and 1 more transcripts); c.354T>A, p.Asn118Lys (NM_001354676.2); c.345T>A, p.Asn115Lys (NM_001354678.2); short protein forms N118K, N99K, N115K.
Identifiers: ClinVar variation 940449 (VCV000940449.6), dbSNP rs561142814, ClinGen allele CA2451724.

ClinVar aggregate classification (germline): Uncertain significance. Review status: criteria provided, multiple submitters, no conflicts (2 of 4 stars). 2 submissions from 2 submitters: Uncertain significance (2). Last evaluated 2024-10-28.

Conditions:
Inborn genetic diseases. Identifiers: MedGen C0950123, MeSH D030342.
Autoimmune lymphoproliferative syndrome, type III caused by mutation in PRKCD. Identifiers: Orphanet 3261, Orphanet 664711, MedGen C3809928, MONDO:8000024, OMIM 615559.

Allele frequency attached by ClinVar (database versions not stated): gnomAD 0.00002 and 0.00001; ExAC 0.00012; TOPMed 0.00005; 1000 Genomes Project 0.00020; 1000 Genomes Project 30x 0.00031; gnomAD exomes 0.00003 and 0.00017.
gnomAD v4.1: 48 of 1,567,160 alleles (0.0031%); highest among the groups gnomAD compares: Admixed American, 0.051%; 1 homozygote.

Submissions (2):

Labcorp Genetics (formerly Invitae), Labcorp
Classification: Uncertain significance for Autoimmune lymphoproliferative syndrome, type III caused by mutation in PRKCD. Last evaluated: 2024-10-28. Review status: criteria provided, single submitter. Criteria: Invitae Variant Classification Sherloc (09022015). Collection method: clinical testing. Allele origin: germline.
Comment: This sequence change replaces asparagine, which is neutral and polar, with lysine, which is basic and polar, at codon 99 of the PRKCD protein (p.Asn99Lys). This variant is present in population databases (rs561142814, gnomAD 0.07%), including at least one homozygous and/or hemizygous individual. This variant has not been reported in the literature in individuals affected with PRKCD-related conditions. ClinVar contains an entry for this variant (Variation ID: 940449). An algorithm developed to predict the effect of missense changes on protein structure and function (PolyPhen-2) suggests that this variant¬†is likely to be tolerated. Algorithms developed to predict the effect of sequence changes on RNA splicing suggest that this variant may create or strengthen a splice site. In summary, the available evidence is currently insufficient to determine the role of this variant in disease. Therefore, it has been classified as a Variant of Uncertain Significance.

Ambry Genetics
Classification: Uncertain significance for Inborn genetic diseases. Last evaluated: 2024-10-12. Review status: criteria provided, single submitter. Criteria: Ambry Variant Classification Scheme 2023. Collection method: clinical testing. Allele origin: germline.